The following is an entry in ClinVar:

NM_001040142.2(SCN2A):c.5023G>A (p.Ala1675Thr)

Gene: SCN2A (sodium voltage-gated channel alpha subunit 2; plus strand). Cytogenetic location: 2q24.3.
Variant type: single nucleotide variant.
Coding change: c.5023G>A on transcript NM_001040142.2 (MANE Select); coding-DNA position 5023, G replaced by A.
Protein change: p.Ala1675Thr; replaces alanine 1675 with threonine.
Molecular consequence: missense variant.
Genome position (GRCh38, 1-based): chr2:165,388,829, G>A. VCF-style: chr2-165388829-G-A. GRCh37 (hg19) VCF-style: chr2-166245339-G-A.
Other names: c.5023G>A, p.Ala1675Thr (NM_001040143.2, NM_001371246.1, NM_001371247.1 and 1 more transcripts); short protein forms A1675T.
Identifiers: ClinVar variation 1427507 (VCV001427507.8), dbSNP rs1469322698, ClinGen allele CA349038016.
Genomic context (GRCh38, chr2:165,388,829, plus strand): 5'-ATGTCCCTTCCTGCGTTGTTTAACATCGGCCTCCTTCTTTTCCTGGTCATGTTCATCTAC[G>A]CCATCTTTGGGATGTCCAATTTTGCCTATGTTAAGAGGGAAGTTGGGATCGATGACATGT-3'
Protein context (NP_001035232.1, residues 1665-1685): LLLFLVMFIY[Ala1675Thr]IFGMSNFAYV

ClinVar aggregate classification (germline): Uncertain significance (1 of 4 stars; one submission).

Conditions:
Seizures, benign familial infantile, 3 (BFIS3). Also called: CONVULSIONS, BENIGN FAMILIAL INFANTILE, 3; Familial neonatal seizures. Identifiers: Orphanet 140927, Orphanet 306, MedGen C1843140, MONDO:0011904, OMIM 607745.
Developmental and epileptic encephalopathy, 11 (DEE11). Also called: Early infantile epileptic encephalopathy 11. Identifiers: Orphanet 1934, MedGen C3150987, MONDO:0013388, OMIM 613721.

Allele frequency attached by ClinVar (database versions not stated): gnomAD exomes below 0.00001; gnomAD 0.00001; TOPMed 0.00001.
gnomAD v4.1: 3 of 1,613,846 alleles (0.00019%); highest among the groups gnomAD compares: African/African-American, 0.0027%; no homozygotes.

Submission:

Labcorp Genetics (formerly Invitae), Labcorp
Classification: Uncertain significance for Seizures, benign familial infantile, 3; Developmental and epileptic encephalopathy, 11. Last evaluated: 2025-06-11. Review status: criteria provided, single submitter. Criteria: Invitae Variant Classification Sherloc (09022015). Collection method: clinical testing. Allele origin: germline.
Comment: This sequence change replaces alanine, which is neutral and non-polar, with threonine, which is neutral and polar, at codon 1675 of the SCN2A protein (p.Ala1675Thr). This variant is not present in population databases (gnomAD no frequency). This variant has not been reported in the literature in individuals affected with SCN2A-related conditions. ClinVar contains an entry for this variant (Variation ID: 1427507). Invitae Evidence Modeling of protein sequence and biophysical properties (such as structural, functional, and spatial information, amino acid conservation, physicochemical variation, residue mobility, and thermodynamic stability) indicates that this missense variant is expected to disrupt SCN2A protein function with a positive predictive value of 95%. In summary, the available evidence is currently insufficient to determine the role of this variant in disease. Therefore, it has been classified as a Variant of Uncertain Significance.